The following is an entry in ClinVar:

NM_025074.7(FRAS1):c.337T>C (p.Cys113Arg)

Gene: FRAS1 (Fraser extracellular matrix complex subunit 1; plus strand). Cytogenetic location: 4q21.21.
Variant type: single nucleotide variant.
Coding change: c.337T>C on transcript NM_025074.7 (MANE Select); coding-DNA position 337, T replaced by C.
Protein change: p.Cys113Arg; replaces cysteine 113 with arginine.
Molecular consequence: missense variant.
Genome position (GRCh38, 1-based): chr4:78,252,419, T>C. VCF-style: chr4-78252419-T-C. GRCh37 (hg19) VCF-style: chr4-79173573-T-C.
Other names: c.337T>C, p.Cys113Arg (NM_001166133.2); c.337T>C (NM_025074.6); short protein forms C113R.
Identifiers: ClinVar variation 1381941 (VCV001381941.4), dbSNP rs199593448, ClinGen allele CA2975916.

ClinVar aggregate classification (germline): Uncertain significance. Review status: criteria provided, multiple submitters, no conflicts (2 of 4 stars). 2 submissions from 2 submitters: Uncertain significance (2). Last evaluated 2022-09-16.

Conditions:
Inborn genetic diseases. Identifiers: MedGen C0950123, MeSH D030342.

Allele frequency attached by ClinVar (database versions not stated): ExAC 0.00006; gnomAD exomes 0.00006 and 0.00012; ESP Exome Variant Server 0.00008; TOPMed 0.00009; gnomAD 0.00010; 1000 Genomes Project 30x 0.00031.
gnomAD v4.1: 189 of 1,613,510 alleles (0.012%); highest among the groups gnomAD compares: Non-Finnish European, 0.014%; no homozygotes.

Submissions (2):

Labcorp Genetics (formerly Invitae), Labcorp
Classification: Uncertain significance. Last evaluated: 2022-09-16. Review status: criteria provided, single submitter. Criteria: Invitae Variant Classification Sherloc (09022015). Collection method: clinical testing. Allele origin: germline.
Comment: This sequence change replaces cysteine, which is neutral and slightly polar, with arginine, which is basic and polar, at codon 113 of the FRAS1 protein (p.Cys113Arg). This variant is present in population databases (rs199593448, gnomAD 0.01%). This variant has not been reported in the literature in individuals affected with FRAS1-related conditions. ClinVar contains an entry for this variant (Variation ID: 1381941). Advanced modeling of protein sequence and biophysical properties (such as structural, functional, and spatial information, amino acid conservation, physicochemical variation, residue mobility, and thermodynamic stability) performed at Invitae indicates that this missense variant is expected to disrupt FRAS1 protein function. In summary, the available evidence is currently insufficient to determine the role of this variant in disease. Therefore, it has been classified as a Variant of Uncertain Significance.

Ambry Genetics
Classification: Uncertain significance for Inborn genetic diseases. Last evaluated: 2021-06-11. Review status: criteria provided, single submitter. Criteria: Ambry Variant Classification Scheme 2023. Collection method: clinical testing. Allele origin: germline.